The following is an entry in ClinVar:

NM_000548.5(TSC2):c.92C>T (p.Ala31Val)

Gene: TSC2 (TSC complex subunit 2; plus strand). Cytogenetic location: 16p13.3.
Variant type: single nucleotide variant.
Coding change: c.92C>T on transcript NM_000548.5 (MANE Select); coding-DNA position 92, C replaced by T.
Protein change: p.Ala31Val; replaces alanine 31 with valine.
Molecular consequence: missense variant. On other transcripts: 5 prime UTR variant (1), intron variant (1).
Genome position (GRCh38, 1-based): chr16:2,048,707, C>T. VCF-style: chr16-2048707-C-T. GRCh37 (hg19) VCF-style: chr16-2098708-C-T.
Other names: c.92C>T, p.Ala31Val (NM_001077183.3, NM_001114382.3, NM_001318827.2 and 4 more transcripts); c.-135C>T (NM_001318831.2); c.125C>T, p.Ala42Val (NM_001318832.2); c.-10+642C>T (NM_001318829.2); short protein forms A31V, A42V.
Identifiers: ClinVar variation 577837 (VCV000577837.9), dbSNP rs1567380741, ClinGen allele CA394301412.

ClinVar aggregate classification (germline): Uncertain significance. Review status: criteria provided, multiple submitters, no conflicts (2 of 4 stars). 2 submissions from 2 submitters: Uncertain significance (2). Last evaluated 2025-05-18.

Conditions:
Tuberous sclerosis 2 (TSC2). Identifiers: Orphanet 805, MedGen C1860707, MONDO:0013199, OMIM 613254.
Hereditary cancer-predisposing syndrome. Also called: Hereditary neoplastic syndrome; Tumor predisposition; Hereditary Cancer Syndrome; Neoplastic Syndromes, Hereditary. Identifiers: Orphanet 140162, MedGen C0027672, MeSH D009386, MONDO:0015356.

Submissions (2):

Labcorp Genetics (formerly Invitae), Labcorp
Classification: Uncertain significance for Tuberous sclerosis 2. Last evaluated: 2025-05-18. Review status: criteria provided, single submitter. Criteria: Invitae Variant Classification Sherloc (09022015). Collection method: clinical testing. Allele origin: germline.
Comment: This sequence change replaces alanine, which is neutral and non-polar, with valine, which is neutral and non-polar, at codon 31 of the TSC2 protein (p.Ala31Val). This variant is not present in population databases (gnomAD no frequency). This variant has not been reported in the literature in individuals affected with TSC2-related conditions. ClinVar contains an entry for this variant (Variation ID: 577837). Invitae Evidence Modeling of protein sequence and biophysical properties (such as structural, functional, and spatial information, amino acid conservation, physicochemical variation, residue mobility, and thermodynamic stability) indicates that this missense variant is not expected to disrupt TSC2 protein function with a negative predictive value of 95%. Algorithms developed to predict the effect of sequence changes on RNA splicing suggest that this variant may disrupt the consensus splice site. In summary, the available evidence is currently insufficient to determine the role of this variant in disease. Therefore, it has been classified as a Variant of Uncertain Significance.

Ambry Genetics
Classification: Uncertain significance for Hereditary cancer-predisposing syndrome. Last evaluated: 2024-07-18. Review status: criteria provided, single submitter. Criteria: Ambry Variant Classification Scheme 2023. Collection method: clinical testing. Allele origin: germline.
Comment: The p.A31V variant (also known as c.92C>T), located in coding exon 1 of the TSC2 gene, results from a C to T substitution at nucleotide position 92. The alanine at codon 31 is replaced by valine, an amino acid with similar properties. This amino acid position is not well conserved in available vertebrate species. In addition, this alteration is predicted to be tolerated by in silico analysis. Based on the available evidence, the clinical significance of this variant remains unclear.